The following is an entry in ClinVar:

ClinVar aggregate classification (germline): Likely benign (1 of 4 stars; one submission).

Conditions:
Split hand-foot malformation 3. Also called: CHROMOSOME 10q24 DUPLICATION SYNDROME; SHSF3; Buttiens Fryns syndrome. Identifiers: Orphanet 1307, MedGen C1838652, MONDO:0009525, OMIM 246560.

Allele frequency attached by ClinVar (database versions not stated): gnomAD exomes 0.00028; 1000 Genomes Project 0.00160; gnomAD 0.00212 and 0.00231; 1000 Genomes Project 30x 0.00219; TOPMed 0.00229.
gnomAD v4.1: 424 of 486,588 alleles (0.087%); highest among the groups gnomAD compares: African/African-American, 0.73%; 1 homozygote.

Submission:

Illumina Laboratory Services, Illumina
Classification: Likely benign for Split hand-foot malformation 3. Last evaluated: 2018-01-12. Review status: criteria provided, single submitter. Criteria: ICSL Variant Classification Criteria 13 December 2019. Collection method: clinical testing. Allele origin: germline.
Comment: This variant was observed in the ICSL laboratory as part of a predisposition screen in an ostensibly healthy population. It had not been previously curated by ICSL or reported in the Human Gene Mutation Database (HGMD: prior to June 1st, 2018), and was therefore a candidate for classification through an automated scoring system. Utilizing variant allele frequency, disease prevalence and penetrance estimates, and inheritance mode, an automated score was calculated to assess if this variant is too frequent to cause the disease. Based on the score and internal cut-off values, a variant classified as likely benign is not then subjected to further curation. The score for this variant resulted in a classification of likely benign for this disease.

NM_022039.4(FBXW4):c.*233G>T

Gene: FBXW4 (F-box and WD repeat domain containing 4; minus strand). Cytogenetic location: 10q24.32.
Variant type: single nucleotide variant.
Coding change: c.*233G>T on transcript NM_022039.4 (MANE Select); 233 bases downstream of the stop codon, G replaced by T.
Molecular consequence: 3 prime UTR variant. On other transcripts: non-coding transcript variant (1).
Genome position (GRCh38, 1-based): chr10:101,611,058, C>A on the plus strand (G>T on the coding strand, the complement: FBXW4 is on the minus strand). VCF-style: chr10-101611058-C-A. GRCh37 (hg19) VCF-style: chr10-103370815-C-A.
Other names: c.*233G>T (NM_001323541.2).
Identifiers: ClinVar variation 298526 (VCV000298526.5), dbSNP rs535051082, ClinGen allele CA10630766.